The following is an entry in ClinVar:

ClinVar aggregate classification (germline): Uncertain significance (1 of 4 stars; one submission).

Conditions:
Charcot-Marie-Tooth disease axonal type 2C (HMSN2C). Also called: CHARCOT-MARIE-TOOTH DISEASE, AXONAL, AUTOSOMAL DOMINANT, TYPE 2C; Charcot-Marie-Tooth Neuropathy Type 2C; Charcot-Marie-Tooth Disease Type 2, TRPV4-Related (CMT2C). Identifiers: Orphanet 99937, MedGen C1853710, MONDO:0011633, OMIM 606071.

Submission:

Labcorp Genetics (formerly Invitae), Labcorp
Classification: Uncertain significance for Charcot-Marie-Tooth disease axonal type 2C. Last evaluated: 2022-03-28. Review status: criteria provided, single submitter. Criteria: Invitae Variant Classification Sherloc (09022015). Collection method: clinical testing. Allele origin: germline.
Comment: This variant has not been reported in the literature in individuals affected with TRPV4-related conditions. In summary, the available evidence is currently insufficient to determine the role of this variant in disease. Therefore, it has been classified as a Variant of Uncertain Significance. Advanced modeling of protein sequence and biophysical properties (such as structural, functional, and spatial information, amino acid conservation, physicochemical variation, residue mobility, and thermodynamic stability) performed at Invitae indicates that this missense variant is not expected to disrupt TRPV4 protein function. This variant is not present in population databases (gnomAD no frequency). This sequence change replaces valine, which is neutral and non-polar, with leucine, which is neutral and non-polar, at codon 365 of the TRPV4 protein (p.Val365Leu).

NM_021625.5(TRPV4):c.1093G>C (p.Val365Leu)

Gene: TRPV4 (transient receptor potential cation channel subfamily V member 4; minus strand). Cytogenetic location: 12q24.11.
Variant type: single nucleotide variant.
Coding change: c.1093G>C on transcript NM_021625.5 (MANE Select); coding-DNA position 1093, G replaced by C.
Protein change: p.Val365Leu; replaces valine 365 with leucine.
Molecular consequence: missense variant.
Genome position (GRCh38, 1-based): chr12:109,798,673, C>G on the plus strand (G>C on the coding strand, the complement: TRPV4 is on the minus strand). VCF-style: chr12-109798673-C-G. GRCh37 (hg19) VCF-style: chr12-110236478-C-G.
Other names: c.952G>C, p.Val318Leu (NM_001177433.2, NM_001177428.2); c.1093G>C, p.Val365Leu (NM_147204.3); c.991G>C, p.Val331Leu (NM_001177431.2); short protein forms V365L, V318L, V331L.
Identifiers: ClinVar variation 2165584 (VCV002165584.4), dbSNP rs570675468, ClinGen allele CA386654219.